The following is an entry in ClinVar:

ClinVar aggregate classification (germline): Benign/Likely benign. Review status: criteria provided, multiple submitters, no conflicts (2 of 4 stars). 4 submissions from 4 submitters: Benign (1); Likely benign (2). 1 of the submissions does not count toward it. Last evaluated 2026-01-12.

Conditions:
EXOC6B-related disorder. Also called: EXOC6B-related condition.

Allele frequency attached by ClinVar (database versions not stated): 1000 Genomes Project 0.00080; 1000 Genomes Project 30x 0.00109; TOPMed 0.00143; ESP Exome Variant Server 0.00190; ExAC 0.00248.
gnomAD v4.1: 3,863 of 1,607,554 alleles (0.24%); highest among the groups gnomAD compares: Non-Finnish European, 0.28%; 6 homozygotes.

Submissions (4):

Labcorp Genetics (formerly Invitae), Labcorp
Classification: Benign. Last evaluated: 2026-01-12. Review status: criteria provided, single submitter. Criteria: Invitae Variant Classification Sherloc (09022015). Collection method: clinical testing. Allele origin: germline.

Blueprint Genetics
Classification: Likely benign. Last evaluated: 2024-11-26. Review status: criteria provided, single submitter. Criteria: ACMG Guidelines, 2015. Collection method: clinical testing. Allele origin: germline.

CeGaT Center for Human Genetics Tuebingen
Classification: Likely benign. Last evaluated: 2024-07-01. Review status: criteria provided, single submitter. Criteria: CeGaT Center For Human Genetics Tuebingen Variant Classification Criteria Version 2. Collection method: clinical testing. Allele origin: germline. Affected: yes. Observed: 1 variant allele.
Comment: EXOC6B: BS2

PreventionGenetics, part of Exact Sciences
Classification: Likely benign for EXOC6B-related condition. Last evaluated: 2019-09-24. Review status: no assertion criteria provided. Collection method: clinical testing. Allele origin: germline. Not counted in ClinVar's aggregate classification.
Comment: This variant is classified as likely benign based on ACMG/AMP sequence variant interpretation guidelines (Richards et al. 2015 PMID: 25741868, with internal and published modifications).

NM_015189.3(EXOC6B):c.2429A>G (p.His810Arg)

Gene: EXOC6B (exocyst complex component 6B; minus strand). Cytogenetic location: 2p13.2.
Variant type: single nucleotide variant.
Coding change: c.2429A>G on transcript NM_015189.3 (MANE Select); coding-DNA position 2429, A replaced by G.
Protein change: p.His810Arg; replaces histidine 810 with arginine.
Molecular consequence: missense variant. On other transcripts: 3 prime UTR variant (1), non-coding transcript variant (2).
Genome position (GRCh38, 1-based): chr2:72,179,342, T>C on the plus strand (A>G on the coding strand, the complement: EXOC6B is on the minus strand). VCF-style: chr2-72179342-T-C. GRCh37 (hg19) VCF-style: chr2-72406471-T-C.
Other names: c.2441A>G, p.His814Arg (NM_001321729.2); c.2306A>G, p.His769Arg (NM_001321730.2); c.*157A>G (NM_001321731.2); c.2294A>G, p.His765Arg (NM_001321733.2); c.2102A>G, p.His701Arg (NM_001321734.2); c.2429A>G (NM_015189.2); short protein forms H769R, H814R, H701R, H765R, H810R.
Identifiers: ClinVar variation 774830 (VCV000774830.29), dbSNP rs188707447, ClinGen allele CA1708205.
Genomic context (GRCh38, chr2:72,179,342, plus strand): 5'-CAGACTGACACAGAGGCTGCAGCAGGTCGCCTCTGTGGGTCCGGGGTCACCCTTCATGAG[T>C]GGTGGCTGCTGATGAGTCCTCGGAGCTGCTTGGCCACGGTGTCAATGAGTTTCTGCTTGT-3'
Protein context (NP_056004.1, residues 800-811): KQLRGLISSH[His810Arg]S